The following is an entry in ClinVar:

NM_012309.5(SHANK2):c.2090G>C (p.Gly697Ala)

Gene: SHANK2 (SH3 and multiple ankyrin repeat domains 2; minus strand). Cytogenetic location: 11q13.4.
Variant type: single nucleotide variant.
Coding change: c.2090G>C on transcript NM_012309.5 (MANE Select); coding-DNA position 2090, G replaced by C.
Protein change: p.Gly697Ala; replaces glycine 697 with alanine.
Molecular consequence: missense variant. On other transcripts: non-coding transcript variant (1).
Genome position (GRCh38, 1-based): chr11:70,502,903, C>G on the plus strand (G>C on the coding strand, the complement: SHANK2 is on the minus strand). VCF-style: chr11-70502903-C-G. GRCh37 (hg19) VCF-style: chr11-70349008-C-G.
Other names: c.953G>C, p.Gly318Ala (NM_001379226.1); c.326G>C, p.Gly109Ala (NM_133266.5); short protein forms G109A, G318A, G697A.
Identifiers: ClinVar variation 2662882 (VCV002662882.1), dbSNP rs2495771786, ClinGen allele CA381692890.

ClinVar aggregate classification (germline): Uncertain significance (1 of 4 stars; one submission).

Submission:

GeneDx
Classification: Uncertain significance. Last evaluated: 2022-07-01. Review status: criteria provided, single submitter. Criteria: GeneDx Variant Classification Process June 2021. Collection method: clinical testing. Allele origin: germline. Affected: yes.
Comment: Not observed in large population cohorts (gnomAD); In silico analysis, which includes protein predictors and evolutionary conservation, supports a deleterious effect; Has not been previously published as pathogenic or benign to our knowledge